The following is an entry in ClinVar:

ClinVar aggregate classification (germline): Uncertain significance (1 of 4 stars; one submission).

Conditions:
ALG1-congenital disorder of glycosylation. Also called: CDG Ik; ALG1-CDG; CONGENITAL DISORDER OF GLYCOSYLATION, TYPE Ik. Identifiers: Orphanet 79327, MedGen C2931005, MONDO:0012052, OMIM 608540.

gnomAD v4.1: 21 of 1,614,060 alleles (0.0013%); highest among the groups gnomAD compares: South Asian, 0.021%; no homozygotes.

Submission:

Labcorp Genetics (formerly Invitae), Labcorp
Classification: Uncertain significance for ALG1-congenital disorder of glycosylation. Last evaluated: 2022-10-17. Review status: criteria provided, single submitter. Criteria: Invitae Variant Classification Sherloc (09022015). Collection method: clinical testing. Allele origin: germline.
Comment: This sequence change replaces histidine, which is basic and polar, with tyrosine, which is neutral and polar, at codon 172 of the ALG1 protein (p.His172Tyr). This variant is present in population databases (rs775720618, gnomAD 0.006%). This variant has not been reported in the literature in individuals affected with ALG1-related conditions. Advanced modeling of protein sequence and biophysical properties (such as structural, functional, and spatial information, amino acid conservation, physicochemical variation, residue mobility, and thermodynamic stability) performed at Invitae indicates that this missense variant is expected to disrupt ALG1 protein function. In summary, the available evidence is currently insufficient to determine the role of this variant in disease. Therefore, it has been classified as a Variant of Uncertain Significance.

NM_019109.5(ALG1):c.514C>T (p.His172Tyr)

Gene: ALG1 (ALG1 chitobiosyldiphosphodolichol beta-mannosyltransferase; plus strand). Cytogenetic location: 16p13.3.
Variant type: single nucleotide variant.
Coding change: c.514C>T on transcript NM_019109.5 (MANE Select); coding-DNA position 514, C replaced by T.
Protein change: p.His172Tyr; replaces histidine 172 with tyrosine.
Molecular consequence: missense variant.
Genome position (GRCh38, 1-based): chr16:5,075,511, C>T. VCF-style: chr16-5075511-C-T. GRCh37 (hg19) VCF-style: chr16-5125512-C-T.
Other names: c.181C>T, p.His61Tyr (NM_001330504.2); short protein forms H172Y, H61Y.
Identifiers: ClinVar variation 1910680 (VCV001910680.2), dbSNP rs775720618, ClinGen allele CA7889850.
Genomic context (GRCh38, chr16:5,075,511, plus strand): 5'-CTCGTCATTGACTGGCACAACTATGGCTACTCCATCATGGGTCTGGTGCATGGCCCCAAC[C>T]ATCCCCTCGTTCTGCTGGCCAAGTGGTGAGAGTCTAGGAAGAGGGTAAAATACCGTCCCC-3'
Protein context (NP_061982.3, residues 162-182): SIMGLVHGPN[His172Tyr]PLVLLAKWYE